The following is an entry in ClinVar:

ClinVar aggregate classification (germline): Conflicting classifications of pathogenicity. Review status: criteria provided, conflicting classifications (1 of 4 stars). 6 submissions from 6 submitters: Uncertain significance (5); Likely benign (1). Last evaluated 2026-05-01.

Conditions:
Microcephaly 1, primary, autosomal recessive (MCPH1). Also called: PREMATURE CHROMOSOME CONDENSATION SYNDROME; PCC SYNDROME; PREMATURE CHROMOSOME CONDENSATION WITH MICROCEPHALY AND MENTAL RETARDATION. Identifiers: Orphanet 2512, MedGen C1855081, MONDO:0009617, OMIM 251200.

Allele frequency attached by ClinVar (database versions not stated): gnomAD 0.00067; TOPMed 0.00076; gnomAD exomes 0.00077 and 0.00137; ExAC 0.00080; ESP Exome Variant Server 0.00109.
gnomAD v4.1: 2,103 of 1,614,126 alleles (0.13%); highest among the groups gnomAD compares: Non-Finnish European, 0.17%; 4 homozygotes.

Submissions (6):

CeGaT Center for Human Genetics Tuebingen
Classification: Likely benign. Last evaluated: 2026-05-01. Review status: criteria provided, single submitter. Criteria: CeGaT Center For Human Genetics Tuebingen Variant Classification Criteria Version 2. Collection method: clinical testing. Allele origin: germline. Affected: yes. Observed: 3 variant alleles.
Comment: MCPH1: BP4

Revvity Omics, Revvity
Classification: Uncertain significance for Microcephaly 1, primary, autosomal recessive. Last evaluated: 2023-04-26. Review status: criteria provided, single submitter. Criteria: ACMG Guidelines, 2015. Collection method: clinical testing. Allele origin: germline.

Labcorp Genetics (formerly Invitae), Labcorp
Classification: Uncertain significance. Last evaluated: 2022-10-20. Review status: criteria provided, single submitter. Criteria: Invitae Variant Classification Sherloc (09022015). Collection method: clinical testing. Allele origin: germline.
Comment: This sequence change replaces glutamic acid, which is acidic and polar, with lysine, which is basic and polar, at codon 457 of the MCPH1 protein (p.Glu457Lys). This variant is present in population databases (rs201039834, gnomAD 0.1%), and has an allele count higher than expected for a pathogenic variant. This variant has not been reported in the literature in individuals affected with MCPH1-related conditions. ClinVar contains an entry for this variant (Variation ID: 198908). Advanced modeling of protein sequence and biophysical properties (such as structural, functional, and spatial information, amino acid conservation, physicochemical variation, residue mobility, and thermodynamic stability) performed at Invitae indicates that this missense variant is not expected to disrupt MCPH1 protein function. In summary, the available evidence is currently insufficient to determine the role of this variant in disease. Therefore, it has been classified as a Variant of Uncertain Significance.

GeneDx
Classification: Uncertain significance. Last evaluated: 2020-11-02. Review status: criteria provided, single submitter. Criteria: GeneDx Variant Classification Process June 2021. Collection method: clinical testing. Allele origin: germline. Affected: yes.
Comment: In silico analysis supports that this missense variant does not alter protein structure/function; Has not been previously published as pathogenic or benign to our knowledge

Eurofins Ntd Llc (ga)
Classification: Uncertain significance. Last evaluated: 2018-04-17. Review status: criteria provided, single submitter. Criteria: EGL ClinVar v180209 classification definitions. Collection method: clinical testing. Allele origin: germline. Observed: 2 variant alleles, 2 heterozygotes.

Illumina Laboratory Services, Illumina
Classification: Uncertain significance for Microcephaly 1, primary, autosomal recessive. Last evaluated: 2018-01-13. Review status: criteria provided, single submitter. Criteria: ICSL Variant Classification Criteria 13 December 2019. Collection method: clinical testing. Allele origin: germline.

NM_024596.5(MCPH1):c.1369G>A (p.Glu457Lys)

Gene: MCPH1 (microcephalin 1; plus strand). Cytogenetic location: 8p23.1.
Variant type: single nucleotide variant.
Coding change: c.1369G>A on transcript NM_024596.5 (MANE Select); coding-DNA position 1369, G replaced by A.
Protein change: p.Glu457Lys; replaces glutamic acid 457 with lysine.
Molecular consequence: missense variant. On other transcripts: non-coding transcript variant (1).
Genome position (GRCh38, 1-based): chr8:6,445,091, G>A. VCF-style: chr8-6445091-G-A. GRCh37 (hg19) VCF-style: chr8-6302612-G-A.
Other names: c.1369G>A, p.Glu457Lys (NM_001172574.2, NM_001322042.2, NM_001363979.1 and 1 more transcripts); c.1225G>A, p.Glu409Lys (NM_001172575.2); c.1363G>A, p.Glu455Lys (NM_001322043.2); c.1267G>A, p.Glu423Lys (NM_001322045.2); short protein forms E457K, E409K, E455K, E423K.
Identifiers: ClinVar variation 198908 (VCV000198908.28), dbSNP rs201039834, ClinGen allele CA247809.